The following is an entry in ClinVar:

ClinVar aggregate classification (germline): Pathogenic (1 of 4 stars; one submission).

Submission:

Labcorp Genetics (formerly Invitae), Labcorp
Classification: Pathogenic. Last evaluated: 2022-07-26. Review status: criteria provided, single submitter. Criteria: Invitae Variant Classification Sherloc (09022015). Collection method: clinical testing. Allele origin: germline.
Comment: This variant is also known as 989–996del8. For these reasons, this variant has been classified as Pathogenic. This premature translational stop signal has been observed in individual(s) with blepharophimosis, ptosis, and epicanthus inversus syndrome (PMID: 12529855). It has also been observed to segregate with disease in related individuals. This sequence change creates a premature translational stop signal (p.Pro251Leufs*280) in the FOXL2 gene. While this is not anticipated to result in nonsense mediated decay, it is expected to disrupt the last 126 amino acid(s) of the FOXL2 protein. This variant is not present in population databases (gnomAD no frequency).

Literature cited by the submitters: PubMed 12529855.

NM_023067.4(FOXL2):c.752_759del (p.Pro251fs)

Gene: FOXL2 (forkhead box L2; minus strand). Cytogenetic location: 3q22.3.
Variant type: Deletion.
Coding change: c.752_759del on transcript NM_023067.4 (MANE Select); coding-DNA positions 752 to 759, 8 bases deleted (CGGCCGCC; older notation c.752_759delCGGCCGCC).
Protein change: p.Pro251fs; shifts the reading frame from proline 251.
Molecular consequence: frameshift variant.
Genome position (GRCh38, 1-based): chr3:138,945,964-138,945,971, GGCGGCCG deleted on the plus strand (CGGCCGCC on the coding strand, the reverse complement: FOXL2 is on the minus strand); deleting any 8 consecutive bases within chr3:138,945,964-138,945,974 gives the same sequence; the c. name uses the placement nearest the transcript's 3' end. VCF-style (leftmost placement, unchanged base first): chr3-138945963-AGGCGGCCG-A. GRCh37 (hg19) VCF-style: chr3-138664805-AGGCGGCCG-A.
Other names: short protein forms P251fs.
Identifiers: ClinVar variation 2203451 (VCV002203451.4), dbSNP rs2473812516, ClinGen allele CA2580068845.
Genomic context (GRCh38, chr3:138,945,963, plus strand): 5'-ACGAGTTCACTACGCCGGGGGGCAGCGCCATGCTCTGCACGCGTGTGTACGGCCCGTACG[AGGCGGCCG>A]GGCCCGCCAGCCCCTTGACCACAGCGGCCGCGCCAGGGCTACCGGGGCCCGCGGCTGCAG-3'